The following is an entry in ClinVar:

ClinVar aggregate classification (germline): Pathogenic (1 of 4 stars; one submission).

Submission:

CeGaT Center for Human Genetics Tuebingen
Classification: Pathogenic. Last evaluated: 2024-04-01. Review status: criteria provided, single submitter. Criteria: CeGaT Center For Human Genetics Tuebingen Variant Classification Criteria Version 2. Collection method: clinical testing. Allele origin: germline. Affected: yes. Observed: 1 variant allele.
Comment: VPS13B: PVS1, PM2

NM_152564.5(VPS13B):c.10334del (p.Val3445fs)

Gene: VPS13B (vacuolar protein sorting 13 homolog B; plus strand). Cytogenetic location: 8q22.2.
Variant type: Deletion.
Coding change: c.10334del on transcript NM_152564.5 (MANE Select); coding-DNA position 10334, one base deleted (T; older notation c.10334delT).
Protein change: p.Val3445fs; shifts the reading frame from valine 3445.
Molecular consequence: frameshift variant.
Genome position (GRCh38, 1-based): chr8:99,853,723, T deleted. VCF-style (leftmost placement, unchanged base first): chr8-99853722-GT-G. GRCh37 (hg19) VCF-style: chr8-100865950-GT-G.
Other names: c.10409del, p.Val3470fs (NM_017890.5); short protein forms V3445fs, V3470fs.
Identifiers: ClinVar variation 3234584 (VCV003234584.20), dbSNP rs2492237807, ClinGen allele CA2825001601.